The following is an entry in ClinVar:

NM_022552.5(DNMT3A):c.936T>C (p.Ser312=)

Gene: DNMT3A (DNA methyltransferase 3 alpha; minus strand). Cytogenetic location: 2p23.3.
Variant type: single nucleotide variant.
Coding change: c.936T>C on transcript NM_022552.5 (MANE Select); coding-DNA position 936, T replaced by C.
Protein change: p.Ser312=; no amino-acid change (serine 312 retained).
Molecular consequence: synonymous variant. On other transcripts: non-coding transcript variant (1).
Genome position (GRCh38, 1-based): chr2:25,247,669, A>G on the plus strand (T>C on the coding strand, the complement: DNMT3A is on the minus strand). VCF-style: chr2-25247669-A-G. GRCh37 (hg19) VCF-style: chr2-25470538-A-G.
Other names: c.267T>C, p.Ser89= (NM_001375819.1); c.369T>C, p.Ser123= (NM_153759.3); c.936T>C, p.Ser312= (NM_175629.2); c.480T>C, p.Ser160= (NM_001320893.1).
Identifiers: ClinVar variation 4617751 (VCV004617751.2).

ClinVar aggregate classification (germline): Likely benign. Review status: criteria provided, multiple submitters, no conflicts (2 of 4 stars). 2 submissions from 2 submitters: Likely benign (2). Last evaluated 2025-10-07.

Conditions:
Inborn genetic diseases. Identifiers: MedGen C0950123, MeSH D030342.
DNMT3A-related disorder. Also called: DNMT3A-related disorders; DNMT3A-related condition.

gnomAD v4.1: 1 of 1,613,974 alleles (0.000062%); highest among the groups gnomAD compares: Non-Finnish European, 0.000085%; no homozygotes.

Submissions (2):

Ambry Genetics
Classification: Likely benign for Inborn genetic diseases. Last evaluated: 2025-10-07. Review status: criteria provided, single submitter. Criteria: Ambry Variant Classification Scheme 2023. Collection method: clinical testing. Allele origin: germline.

PreventionGenetics, part of Exact Sciences
Classification: Likely benign for DNMT3A-related condition. Last evaluated: 2024-12-23. Review status: criteria provided, single submitter. Criteria: ACMG Guidelines, 2015. Collection method: clinical testing. Allele origin: germline.
Comment: This variant is classified as likely benign based on ACMG/AMP sequence variant interpretation guidelines (Richards et al. 2015 PMID: 25741868, with internal and published modifications).